The following is an entry in ClinVar:

NM_139057.4(ADAMTS17):c.*882G>C

Gene: ADAMTS17 (ADAM metallopeptidase with thrombospondin type 1 motif 17; minus strand). Cytogenetic location: 15q26.3.
Variant type: single nucleotide variant.
Coding change: c.*882G>C on transcript NM_139057.4 (MANE Select); 882 bases downstream of the stop codon, G replaced by C.
Molecular consequence: 3 prime UTR variant.
Genome position (GRCh38, 1-based): chr15:99,973,520, C>G on the plus strand (G>C on the coding strand, the complement: ADAMTS17 is on the minus strand). VCF-style: chr15-99973520-C-G. GRCh37 (hg19) VCF-style: chr15-100513725-C-G.
Identifiers: ClinVar variation 315210 (VCV000315210.8), dbSNP rs2581358, ClinGen allele CA10642852.

ClinVar aggregate classification (germline): Benign. Review status: criteria provided, multiple submitters, no conflicts (2 of 4 stars). 3 submissions from 3 submitters: Benign (3). Last evaluated 2021-05-08.

Conditions:
Weill-Marchesani 4 syndrome, recessive. Also called: Weill-Marchesani syndrome 4. Identifiers: Orphanet 363992, MedGen C2750787, MONDO:0013176, OMIM 613195.

Allele frequency attached by ClinVar (database versions not stated): gnomAD exomes 0.45313; 1000 Genomes Project 0.57768; 1000 Genomes Project 30x 0.58292; TOPMed 0.61807.
gnomAD v4.1: 95,111 of 151,854 alleles (63%); highest among the groups gnomAD compares: Non-Finnish European, 66%; 30,007 homozygotes.

Submissions (3):

GeneDx
Classification: Benign. Last evaluated: 2021-05-08. Review status: criteria provided, single submitter. Criteria: GeneDx Variant Classification Process June 2021. Collection method: clinical testing. Allele origin: germline. Affected: yes.

Illumina Laboratory Services, Illumina
Classification: Benign for Weill-Marchesani 4 syndrome, recessive. Last evaluated: 2018-01-12. Review status: criteria provided, single submitter. Criteria: ICSL Variant Classification Criteria 13 December 2019. Collection method: clinical testing. Allele origin: germline.
Comment: This variant was observed in the ICSL laboratory as part of a predisposition screen in an ostensibly healthy population. It had not been previously curated by ICSL or reported in the Human Gene Mutation Database (HGMD: prior to June 1st, 2018), and was therefore a candidate for classification through an automated scoring system. Utilizing variant allele frequency, disease prevalence and penetrance estimates, and inheritance mode, an automated score was calculated to assess if this variant is too frequent to cause the disease. Based on the score and internal cut-off values, a variant classified as benign is not then subjected to further curation. The score for this variant resulted in a classification of benign for this disease.

Breakthrough Genomics
Classification: Benign. Review status: criteria provided, single submitter. Criteria: ACMG Guidelines, 2015. Collection method: not provided. Allele origin: germline. Inheritance: Autosomal recessive inheritance. Affected: yes.